The following is an entry in ClinVar:

NM_001165963.4(SCN1A):c.1170G>A (p.Leu390=)

Gene: SCN1A (sodium voltage-gated channel alpha subunit 1; minus strand). Cytogenetic location: 2q24.3.
Variant type: single nucleotide variant.
Coding change: c.1170G>A on transcript NM_001165963.4 (MANE Select); coding-DNA position 1170, G replaced by A.
Protein change: p.Leu390=; no amino-acid change (leucine 390 retained).
Molecular consequence: synonymous variant. On other transcripts: 5 prime UTR variant (1), non-coding transcript variant (1).
Genome position (GRCh38, 1-based): chr2:166,047,627, C>T on the plus strand (G>A on the coding strand, the complement: SCN1A is on the minus strand). VCF-style: chr2-166047627-C-T. GRCh37 (hg19) VCF-style: chr2-166904137-C-T.
Other names: c.1170G>A, p.Leu390= (NM_001165964.3, NM_001202435.3, NM_001353948.2 and 10 more transcripts); c.-1256G>A (NM_001353961.2).
Identifiers: ClinVar variation 946265 (VCV000946265.10), dbSNP rs1697996396, ClinGen allele CA429903128.

ClinVar aggregate classification (germline): Pathogenic (1 of 4 stars; one submission).

Conditions:
Early-infantile DEE. Also called: Early infantile epileptic encephalopathy; Ohtahara syndrome; Early infantile epileptic encephalopathy with suppression bursts. Identifiers: Orphanet 1934, MedGen C0393706, MONDO:0800491.

Submission:

Labcorp Genetics (formerly Invitae), Labcorp
Classification: Pathogenic for Early-infantile DEE. Last evaluated: 2019-08-21. Review status: criteria provided, single submitter. Criteria: Invitae Variant Classification Sherloc (09022015). Collection method: clinical testing. Allele origin: germline.
Comment: This sequence change affects codon 390 of the SCN1A mRNA. It is a 'silent' change, meaning that it does not change the encoded amino acid sequence of the SCN1A protein. This variant also falls at the last nucleotide of exon 8 of the SCN1A coding sequence, which is part of the consensus splice site for this exon. This variant is not present in population databases (ExAC no frequency). For these reasons, this variant has been classified as Pathogenic. Nucleotide substitutions within the consensus splice site are a relatively common cause of aberrant splicing (PMID: 17576681, 9536098). Algorithms developed to predict the effect of sequence changes on RNA splicing suggest that this variant may disrupt the consensus splice site, but this prediction has not been confirmed by published transcriptional studies. This variant has been observed in individual(s) with early onset epilepsy (Invitae). In at least one individual the variant was observed to be de novo.

Literature cited by the submitters: PubMed 17576681; PubMed 9536098.